The following is an entry in ClinVar:

NM_014363.6(SACS):c.8596A>G (p.Arg2866Gly)

Gene: SACS (sacsin molecular chaperone; minus strand). Cytogenetic location: 13q12.12.
Variant type: single nucleotide variant.
Coding change: c.8596A>G on transcript NM_014363.6 (MANE Select); coding-DNA position 8596, A replaced by G.
Protein change: p.Arg2866Gly; replaces arginine 2866 with glycine.
Molecular consequence: missense variant.
Genome position (GRCh38, 1-based): chr13:23,335,280, T>C on the plus strand (A>G on the coding strand, the complement: SACS is on the minus strand). VCF-style: chr13-23335280-T-C. GRCh37 (hg19) VCF-style: chr13-23909419-T-C.
Other names: c.8155A>G, p.Arg2719Gly (NM_001278055.2); short protein forms R2719G, R2866G.
Identifiers: ClinVar variation 931685 (VCV000931685.3), dbSNP rs1868466055, ClinGen allele CA387516285.

ClinVar aggregate classification (germline): Uncertain significance (1 of 4 stars; one submission).

Conditions:
Charlevoix-Saguenay spastic ataxia (SACS). Also called: AUTOSOMAL RECESSIVE SPASTIC ATAXIA OF CHARLEVOIX-SAGUENAY; SPASTIC ATAXIA 6, AUTOSOMAL RECESSIVE; Spastic ataxia of Charlevoix-Saguenay. Identifiers: Orphanet 98, MedGen C1849140, MONDO:0010041, OMIM 270550.

Allele frequency attached by ClinVar (database versions not stated): gnomAD exomes below 0.00001.

Submission:

Centre for Mendelian Genomics, University Medical Centre Ljubljana
Classification: Uncertain significance for Charlevoix-Saguenay spastic ataxia. Last evaluated: 2019-08-20. Review status: criteria provided, single submitter. Criteria: ACMG Guidelines, 2015. Collection method: clinical testing. Allele origin: unknown. Affected: yes.
Comment: This variant was classified as: Uncertain significance. The available evidence on this variant's pathogenicity is insufficient or conflicting. The following ACMG criteria were applied in classifying this variant: PM2.